The following is an entry in ClinVar:

ClinVar aggregate classification (germline): Likely benign (1 of 4 stars; one submission).

Submission:

CeGaT Center for Human Genetics Tuebingen
Classification: Likely benign. Last evaluated: 2026-06-01. Review status: criteria provided, single submitter. Criteria: CeGaT Center For Human Genetics Tuebingen Variant Classification Criteria Version 2. Collection method: clinical testing. Allele origin: germline. Affected: yes. Observed: 1 variant allele.
Comment: PHIP: BP4

NM_017934.7(PHIP):c.2320-5dup

Gene: PHIP (PHIP subunit of CUL4-Ring ligase complex; minus strand). Cytogenetic location: 6q14.1.
Variant type: Duplication.
Coding change: c.2320-5dup on transcript NM_017934.7 (MANE Select); 5 bases into the intron before coding-DNA position 2320, one base duplicated (T; older notation c.2320-5dupT).
Molecular consequence: intron variant.
Genome position (GRCh38, 1-based): chr6:78,988,354, A duplicated on the plus strand (T on the coding strand, the reverse complement: PHIP is on the minus strand); the first of 7 consecutive A bases (chr6:78,988,354-78,988,360); duplicating any one gives the same sequence. VCF-style (leftmost placement, unchanged base first): chr6-78988353-G-GA. GRCh37 (hg19) VCF-style: chr6-79698070-G-GA.
Identifiers: ClinVar variation 4872487 (VCV004872487.2).
Genomic context (GRCh38, chr6:78,988,353, plus strand): 5'-ATTTGTCTGTTGCTTTTTGGATTCTCCAAGATCCAGGAAATGCTCATGAGCATGATTCTA[G>GA]AAAAAAATAAATTAAATTTATTCACAGATTGTTTAAAGAGCAGGATTTTTAGTTTAAAAG-3'